The following is an entry in ClinVar:

ClinVar aggregate classification (germline): Uncertain significance. Review status: criteria provided, multiple submitters, no conflicts (2 of 4 stars). 4 submissions from 4 submitters: Uncertain significance (4). Last evaluated 2025-03-04.

Conditions:
Hereditary nonpolyposis colorectal neoplasms. Identifiers: MedGen C0009405, MeSH D003123.
Hereditary cancer-predisposing syndrome. Also called: Hereditary Cancer Syndrome; Hereditary neoplastic syndrome; Neoplastic Syndromes, Hereditary; Tumor predisposition. Identifiers: Orphanet 140162, MedGen C0027672, MeSH D009386, MONDO:0015356.
Endometrial carcinoma. Also called: Endometrial carcinoma, somatic. Identifiers: MedGen C0476089, MONDO:0002447, OMIM 608089, HP:0012114.
Lynch syndrome 5 (LYNCH5). Also called: Hereditary non-polyposis colorectal cancer, type 5; Colorectal cancer, hereditary nonpolyposis, type 5. Identifiers: Orphanet 144, MedGen C1833477, MONDO:0013710, OMIM 614350. Disease mechanism: loss of function.
Mismatch repair cancer syndrome 1 (MMRCS1). Also called: BTP1 SYNDROME; CHILDHOOD CANCER SYNDROME; MISMATCH REPAIR DEFICIENCY; MMR DEFICIENCY; BRAIN TUMOR-POLYPOSIS SYNDROME 1. Identifiers: Orphanet 252202, MedGen C5399763, MONDO:0010159, OMIM 276300. Disease mechanism: loss of function.

Allele frequency attached by ClinVar (database versions not stated): TOPMed below 0.00001; gnomAD 0.00001.

Submissions (4):

Center for Genomic Medicine, Rigshospitalet, Copenhagen University Hospital
Classification: Uncertain significance. Last evaluated: 2025-03-04. Review status: criteria provided, single submitter. Criteria: ACMG Guidelines, 2015. Collection method: clinical testing. Allele origin: germline.

Labcorp Genetics (formerly Invitae), Labcorp
Classification: Uncertain significance for Hereditary nonpolyposis colorectal neoplasms. Last evaluated: 2022-11-17. Review status: criteria provided, single submitter. Criteria: Invitae Variant Classification Sherloc (09022015). Collection method: clinical testing. Allele origin: germline.
Comment: This sequence change replaces aspartic acid, which is acidic and polar, with histidine, which is basic and polar, at codon 839 of the MSH6 protein (p.Asp839His). This variant is not present in population databases (gnomAD no frequency). This variant has not been reported in the literature in individuals affected with MSH6-related conditions. ClinVar contains an entry for this variant (Variation ID: 455205). Advanced modeling of protein sequence and biophysical properties (such as structural, functional, and spatial information, amino acid conservation, physicochemical variation, residue mobility, and thermodynamic stability) has been performed at Invitae for this missense variant, however the output from this modeling did not meet the statistical confidence thresholds required to predict the impact of this variant on MSH6 protein function. In summary, the available evidence is currently insufficient to determine the role of this variant in disease. Therefore, it has been classified as a Variant of Uncertain Significance.

Ambry Genetics
Classification: Uncertain significance for Hereditary cancer-predisposing syndrome. Last evaluated: 2021-09-17. Review status: criteria provided, single submitter. Criteria: Ambry Variant Classification Scheme 2023. Collection method: clinical testing. Allele origin: germline.
Comment: The p.D839H variant (also known as c.2515G>C), located in coding exon 4 of the MSH6 gene, results from a G to C substitution at nucleotide position 2515. The aspartic acid at codon 839 is replaced by histidine, an amino acid with similar properties. This amino acid position is highly conserved in available vertebrate species. In addition, this alteration is predicted to be deleterious by in silico analysis. Since supporting evidence is limited at this time, the clinical significance of this alteration remains unclear.

Fulgent Genetics
Classification: Uncertain significance for Mismatch repair cancer syndrome 1; Endometrial carcinoma; Lynch syndrome 5. Last evaluated: 2018-10-31. Review status: criteria provided, single submitter. Criteria: ACMG Guidelines, 2015. Collection method: clinical testing. Allele origin: unknown.

NM_000179.3(MSH6):c.2515G>C (p.Asp839His)

Gene: MSH6 (mutS homolog 6; plus strand). Cytogenetic location: 2p16.3.
Variant type: single nucleotide variant.
Coding change: c.2515G>C on transcript NM_000179.3 (MANE Select); coding-DNA position 2515, G replaced by C.
Protein change: p.Asp839His; replaces aspartic acid 839 with histidine.
Molecular consequence: missense variant.
Genome position (GRCh38, 1-based): chr2:47,800,498, G>C. VCF-style: chr2-47800498-G-C. GRCh37 (hg19) VCF-style: chr2-48027637-G-C.
Other names: c.2125G>C, p.Asp709His (NM_001281492.2); c.1609G>C, p.Asp537His (NM_001281493.2, NM_001281494.2); short protein forms D839H, D537H, D709H.
Identifiers: ClinVar variation 455205 (VCV000455205.12), dbSNP rs1553413868, ClinGen allele CA346754328.